The following is an entry in ClinVar:

NM_014727.3(KMT2B):c.536G>A (p.Arg179Gln)

Gene: KMT2B (lysine methyltransferase 2B; plus strand). Cytogenetic location: 19q13.12.
Variant type: single nucleotide variant.
Coding change: c.536G>A on transcript NM_014727.3 (MANE Select); coding-DNA position 536, G replaced by A.
Protein change: p.Arg179Gln; replaces arginine 179 with glutamine.
Molecular consequence: missense variant.
Genome position (GRCh38, 1-based): chr19:35,719,883, G>A. VCF-style: chr19-35719883-G-A. GRCh37 (hg19) VCF-style: chr19-36210785-G-A.
Other names: c.536G>A (NM_014727.1, NM_014727.2); short protein forms R179Q.
Identifiers: ClinVar variation 2197414 (VCV002197414.6), dbSNP rs771353672, ClinGen allele CA9384055.

ClinVar aggregate classification (germline): Likely benign. Review status: criteria provided, multiple submitters, no conflicts (2 of 4 stars). 3 submissions from 3 submitters: Likely benign (3). Last evaluated 2025-09-23.

Conditions:
KMT2B-related disorder. Also called: KMT2B-related disorders; KMT2B-related condition. Identifiers: MedGen CN381338.
Inborn genetic diseases. Identifiers: MedGen C0950123, MeSH D030342.

Allele frequency attached by ClinVar (database versions not stated): gnomAD exomes 0.00003; ExAC 0.00011; gnomAD 0.00012.
gnomAD v4.1: 73 of 1,613,190 alleles (0.0045%); highest among the groups gnomAD compares: Admixed American, 0.045%; no homozygotes.

Submissions (3):

PreventionGenetics, part of Exact Sciences
Classification: Likely benign for KMT2B-related condition. Last evaluated: 2025-09-23. Review status: criteria provided, single submitter. Criteria: ACMG Guidelines, 2015. Collection method: clinical testing. Allele origin: germline.
Comment: This variant is classified as likely benign based on ACMG/AMP sequence variant interpretation guidelines (Richards et al. 2015 PMID: 25741868, with internal and published modifications).

Labcorp Genetics (formerly Invitae), Labcorp
Classification: Likely benign. Last evaluated: 2025-09-22. Review status: criteria provided, single submitter. Criteria: Invitae Variant Classification Sherloc (09022015). Collection method: clinical testing. Allele origin: germline.

Ambry Genetics
Classification: Likely benign for Inborn genetic diseases. Last evaluated: 2021-08-02. Review status: criteria provided, single submitter. Criteria: Ambry Variant Classification Scheme 2023. Collection method: clinical testing. Allele origin: germline.